The following is an entry in ClinVar:

NM_198578.4(LRRK2):c.4112T>A (p.Ile1371Lys)

Gene: LRRK2 (leucine rich repeat kinase 2; plus strand). Cytogenetic location: 12q12.
Variant type: single nucleotide variant.
Coding change: c.4112T>A on transcript NM_198578.4 (MANE Select); coding-DNA position 4112, T replaced by A.
Protein change: p.Ile1371Lys; replaces isoleucine 1371 with lysine.
Molecular consequence: missense variant.
Genome position (GRCh38, 1-based): chr12:40,308,619, T>A. VCF-style: chr12-40308619-T-A. GRCh37 (hg19) VCF-style: chr12-40702421-T-A.
Other names: short protein forms I1371K.
Identifiers: ClinVar variation 1737939 (VCV001737939.2), dbSNP rs1944918293, ClinGen allele CA384417776.

ClinVar aggregate classification (germline): Uncertain significance (1 of 4 stars; one submission).

Conditions:
Inborn genetic diseases. Identifiers: MedGen C0950123, MeSH D030342.

Submission:

Ambry Genetics
Classification: Uncertain significance for Inborn genetic diseases. Last evaluated: 2021-11-22. Review status: criteria provided, single submitter. Criteria: Ambry Variant Classification Scheme 2023. Collection method: clinical testing. Allele origin: germline.
Comment: The p.I1371K variant (also known as c.4112T>A), located in coding exon 29 of the LRRK2 gene, results from a T to A substitution at nucleotide position 4112. The isoleucine at codon 1371 is replaced by lysine, an amino acid with dissimilar properties. This amino acid position is conserved. In addition, this alteration is predicted to be deleterious by in silico analysis. Since supporting evidence is limited at this time, the clinical significance of this alteration remains unclear.